The following is an entry in ClinVar:

ClinVar aggregate classification (germline): Uncertain significance (1 of 4 stars; one submission).

Conditions:
Chuvash polycythemia. Also called: POLYCYTHEMIA, VHL-DEPENDENT. Identifiers: Orphanet 238557, MedGen C1837915, MONDO:0009892, OMIM 263400.
Von Hippel-Lindau syndrome (VHLS). Also called: VHL syndrome; von Hippel–Lindau syndrome; Von Hippel-Lindau. Identifiers: Orphanet 892, MedGen C0019562, MONDO:0008667, OMIM 193300. Disease mechanism: loss of function.

Submission:

Labcorp Genetics (formerly Invitae), Labcorp
Classification: Uncertain significance for Von Hippel-Lindau syndrome; Chuvash polycythemia. Last evaluated: 2024-02-24. Review status: criteria provided, single submitter. Criteria: Invitae Variant Classification Sherloc (09022015). Collection method: clinical testing. Allele origin: germline.
Comment: This sequence change falls in intron 1 of the VHL gene. It is not expected to change the encoded amino acid sequence of the VHL protein. However, this sequence change falls within a cryptic exon in the VHL gene, known as exon E1’, which is naturally expressed at low levels in several human tissues (PMID: 29891534). This variant is not present in population databases (gnomAD no frequency). This variant has not been reported in the literature in individuals affected with VHL-related conditions. Algorithms developed to predict the effect of sequence changes on RNA splicing suggest that this variant is not likely to affect RNA splicing. In summary, the available evidence is currently insufficient to determine the role of this variant in disease. Therefore, it has been classified as a Variant of Uncertain Significance.

Literature cited by the submitters: PubMed 29891534.

NM_000551.4(VHL):c.340+821C>A

Genes: VHL (von Hippel-Lindau tumor suppressor; plus strand), LOC107303340 (3p25 von Hippel-Lindau tumor suppressor, E3 ubiquitin protein ligase Alu-mediated recombination region; plus strand). Cytogenetic location: 3p25.3.
Variant type: single nucleotide variant.
Coding change: c.340+821C>A on transcript NM_000551.4 (MANE Select); 821 bases into the intron after coding-DNA position 340, C replaced by A.
Molecular consequence: intron variant. On other transcripts: 3 prime UTR variant (1), non-coding transcript variant (1).
Genome position (GRCh38, 1-based): chr3:10,143,008, C>A. VCF-style: chr3-10143008-C-A. GRCh37 (hg19) VCF-style: chr3-10184692-C-A.
Other names: c.*4C>A (NM_001354723.2); c.340+821C>A (NM_198156.3).
Identifiers: ClinVar variation 3752066 (VCV003752066.2).